The following is an entry in ClinVar:

ClinVar aggregate classification (germline): Uncertain significance (1 of 4 stars; one submission).

Conditions:
Adenylosuccinate lyase deficiency (ADSLD). Also called: ADSL DEFICIENCY. Identifiers: Orphanet 46, MedGen C0268126, MONDO:0007068, OMIM 103050.

Submission:

Labcorp Genetics (formerly Invitae), Labcorp
Classification: Uncertain significance for Adenylosuccinate lyase deficiency. Last evaluated: 2019-07-11. Review status: criteria provided, single submitter. Criteria: Invitae Variant Classification Sherloc (09022015). Collection method: clinical testing. Allele origin: germline.
Comment: This sequence change replaces methionine with valine at codon 278 of the ADSL protein (p.Met278Val). The methionine residue is weakly conserved and there is a small physicochemical difference between methionine and valine. This variant is not present in population databases (ExAC no frequency). This variant has not been reported in the literature in individuals with ADSL-related conditions. Algorithms developed to predict the effect of missense changes on protein structure and function output the following: SIFT: "Tolerated"; PolyPhen-2: "Benign"; Align-GVGD: "Class C0". The valine amino acid residue is found in multiple mammalian species, suggesting that this missense change does not adversely affect protein function. These predictions have not been confirmed by published functional studies and their clinical significance is uncertain. In summary, the available evidence is currently insufficient to determine the role of this variant in disease. Therefore, it has been classified as a Variant of Uncertain Significance.

NM_000026.4(ADSL):c.832A>G (p.Met278Val)

Gene: ADSL (adenylosuccinate lyase; plus strand). Cytogenetic location: 22q13.1.
Variant type: single nucleotide variant.
Coding change: c.832A>G on transcript NM_000026.4 (MANE Select); coding-DNA position 832, A replaced by G.
Protein change: p.Met278Val; replaces methionine 278 with valine.
Molecular consequence: missense variant. On other transcripts: non-coding transcript variant (1).
Genome position (GRCh38, 1-based): chr22:40,361,312, A>G. VCF-style: chr22-40361312-A-G. GRCh37 (hg19) VCF-style: chr22-40757316-A-G.
Other names: c.832A>G, p.Met278Val (NM_001123378.3, NM_001363840.3); c.640A>G, p.Met214Val (NM_001317923.2); short protein forms M214V, M278V.
Identifiers: ClinVar variation 948290 (VCV000948290.9), dbSNP rs2044778052, ClinGen allele CA411643593.